The following is an entry in ClinVar:

ClinVar aggregate classification (germline): Uncertain significance. Review status: criteria provided, multiple submitters, no conflicts (2 of 4 stars). 2 submissions from 2 submitters: Uncertain significance (2). Last evaluated 2025-11-23.

Conditions:
GUSB-related disorder. Also called: GUSB-related condition.
Inborn genetic diseases. Identifiers: MedGen C0950123, MeSH D030342.

Submissions (2):

PreventionGenetics, part of Exact Sciences
Classification: Uncertain significance for GUSB-related condition. Last evaluated: 2025-11-23. Review status: criteria provided, single submitter. Criteria: ACMG Guidelines, 2015. Collection method: clinical testing. Allele origin: germline.
Comment: The GUSB c.334A>T variant is predicted to result in the amino acid substitution p.Thr112Ser. To our knowledge, this variant has not been reported in the literature or in a large population database (gnomAD), indicating this variant is rare. At this time, the clinical significance of this variant is uncertain due to the absence of conclusive functional and genetic evidence.

Ambry Genetics
Classification: Uncertain significance for Inborn genetic diseases. Last evaluated: 2023-05-24. Review status: criteria provided, single submitter. Criteria: Ambry Variant Classification Scheme 2023. Collection method: clinical testing. Allele origin: germline.

NM_000181.4(GUSB):c.334A>T (p.Thr112Ser)

Gene: GUSB (glucuronidase beta; minus strand). Cytogenetic location: 7q11.21.
Variant type: single nucleotide variant.
Coding change: c.334A>T on transcript NM_000181.4 (MANE Select); coding-DNA position 334, A replaced by T.
Protein change: p.Thr112Ser; replaces threonine 112 with serine.
Molecular consequence: missense variant. On other transcripts: 5 prime UTR variant (1), non-coding transcript variant (1).
Genome position (GRCh38, 1-based): chr7:65,980,286, T>A on the plus strand (A>T on the coding strand, the complement: GUSB is on the minus strand). VCF-style: chr7-65980286-T-A. GRCh37 (hg19) VCF-style: chr7-65445273-T-A.
Other names: c.334A>T, p.Thr112Ser (NM_001284290.2); c.-52A>T (NM_001293104.2); c.5A>T, p.Asp2Val (NM_001293105.2); short protein forms D2V, T112S.
Identifiers: ClinVar variation 2551663 (VCV002551663.3), dbSNP rs2484845848, ClinGen allele CA367651814.